The following is an entry in ClinVar:

NM_003072.5(SMARCA4):c.3610_3615del (p.Leu1204_Cys1205del)

Gene: SMARCA4 (SWI/SNF related, matrix associated, actin dependent regulator of chromatin, subfamily a, member 4; plus strand). Cytogenetic location: 19p13.2.
Variant type: Deletion.
Coding change: c.3610_3615del on transcript NM_003072.5 (MANE Select); coding-DNA positions 3610 to 3615, 6 bases deleted (CTCTGC; older notation c.3610_3615delCTCTGC).
Protein change: p.Leu1204_Cys1205del.
Molecular consequence: inframe deletion. On other transcripts: non-coding transcript variant (1).
Genome position (GRCh38, 1-based): chr19:11,033,353-11,033,358, CTCTGC deleted; deleting any 6 consecutive bases within chr19:11,033,351-11,033,358 gives the same sequence; the c. name uses the placement nearest the transcript's 3' end. VCF-style (leftmost placement, unchanged base first): chr19-11033350-CGCCTCT-C. GRCh37 (hg19) VCF-style: chr19-11144026-CGCCTCT-C.
Other names: c.3610_3615del, p.Leu1204_Cys1205del (NM_001128844.3, NM_001128845.2, NM_001128846.2 and 5 more transcripts).
Identifiers: ClinVar variation 1303671 (VCV001303671.2), dbSNP rs2146649768, ClinGen allele CA2573054699.
Genomic context (GRCh38, chr19:11,033,350, plus strand): 5'-GACCTGCAAGCGCAGGACCGAGCCCACCGCATCGGGCAGCAGAACGAGGTGCGTGTGCTC[CGCCTCT>C]GCACCGTCAACAGCGTGGAGGAGAAGATCCTAGCTGCAGCCAAGTACAAGCTCAACGTGG-3'

ClinVar aggregate classification (germline): Uncertain significance (1 of 4 stars; one submission).

Submission:

GeneDx
Classification: Uncertain significance. Last evaluated: 2019-04-15. Review status: criteria provided, single submitter. Criteria: GeneDx Variant Classification Process June 2021. Collection method: clinical testing. Allele origin: germline. Affected: yes.
Comment: Not observed in large population cohorts (Lek et al., 2016); In silico analysis, which includes protein predictors and evolutionary conservation, supports a deleterious effect; Has not been previously published as pathogenic or benign to our knowledge